The following is an entry in ClinVar:

ClinVar aggregate classification (germline): Uncertain significance. Review status: criteria provided, multiple submitters, no conflicts (2 of 4 stars). 2 submissions from 2 submitters: Uncertain significance (2). Last evaluated 2025-11-03.

Conditions:
Noonan syndrome (NS). Also called: Noonan's syndrome. Identifiers: Orphanet 648, MedGen C0028326, MeSH D009634, MONDO:0018997. Disease mechanism: gain of function.

Allele frequency attached by ClinVar (database versions not stated): gnomAD 0.00020 and 0.00017; ExAC 0.00003; gnomAD exomes 0.00002 and 0.00003; TOPMed 0.00025.

Submissions (2):

Labcorp Genetics (formerly Invitae), Labcorp
Classification: Uncertain significance for Noonan syndrome. Last evaluated: 2025-11-03. Review status: criteria provided, single submitter. Criteria: Invitae Variant Classification Sherloc (09022015). Collection method: clinical testing. Allele origin: germline.
Comment: This sequence change replaces arginine, which is basic and polar, with glutamine, which is neutral and polar, at codon 113 of the RRAS protein (p.Arg113Gln). This variant is present in population databases (rs766259420, gnomAD 0.04%). This missense change has been observed in individual(s) with developmental delay (PMID: 33057194). ClinVar contains an entry for this variant (Variation ID: 572125). An algorithm developed to predict the effect of missense changes on protein structure and function (PolyPhen-2) suggests that this variant is likely to be tolerated. In summary, the available evidence is currently insufficient to determine the role of this variant in disease. Therefore, it has been classified as a Variant of Uncertain Significance.

Ambry Genetics
Classification: Uncertain significance. Last evaluated: 2024-09-23. Review status: criteria provided, single submitter. Criteria: Ambry Variant Classification Scheme 2023. Collection method: clinical testing. Allele origin: germline.
Comment: The p.R113Q variant (also known as c.338G>A), located in coding exon 3 of the RRAS gene, results from a G to A substitution at nucleotide position 338. The arginine at codon 113 is replaced by glutamine, an amino acid with highly similar properties. This amino acid position is conserved. In addition, this alteration is predicted to be tolerated by in silico analysis. Since supporting evidence is limited at this time, the clinical significance of this alteration remains unclear.

Literature cited by the submitters: PubMed 33057194 (cited by Labcorp Genetics (formerly Invitae), Labcorp).

NM_006270.5(RRAS):c.338G>A (p.Arg113Gln)

Gene: RRAS (RAS related; minus strand). Cytogenetic location: 19q13.33.
Variant type: single nucleotide variant.
Coding change: c.338G>A on transcript NM_006270.5 (MANE Select); coding-DNA position 338, G replaced by A.
Protein change: p.Arg113Gln; replaces arginine 113 with glutamine.
Molecular consequence: missense variant.
Genome position (GRCh38, 1-based): chr19:49,636,830, C>T on the plus strand (G>A on the coding strand, the complement: RRAS is on the minus strand). VCF-style: chr19-49636830-C-T. GRCh37 (hg19) VCF-style: chr19-50140087-C-T.
Other names: short protein forms R113Q.
Identifiers: ClinVar variation 572125 (VCV000572125.11), dbSNP rs766259420, ClinGen allele CA9579069.